The following is an entry in ClinVar:

ClinVar aggregate classification (germline): Uncertain significance (1 of 4 stars; one submission).

Conditions:
Inborn genetic diseases. Identifiers: MedGen C0950123, MeSH D030342.

Submission:

Ambry Genetics
Classification: Uncertain significance for Inborn genetic diseases. Last evaluated: 2025-12-18. Review status: criteria provided, single submitter. Criteria: Ambry Variant Classification Scheme 2023. Collection method: clinical testing. Allele origin: germline.
Comment: The p.E683G variant (also known as c.2048A>G), located in coding exon 12 of the BMPR2 gene, results from an A to G substitution at nucleotide position 2048. The glutamic acid at codon 683 is replaced by glycine, an amino acid with similar properties. This amino acid position is conserved. In addition, this alteration is predicted to be deleterious by in silico analysis. Based on the available evidence, the clinical significance of this variant remains unclear.

NM_001204.7(BMPR2):c.2048A>G (p.Glu683Gly)

Gene: BMPR2 (bone morphogenetic protein receptor type 2; plus strand). Cytogenetic location: 2q33.2.
Variant type: single nucleotide variant.
Coding change: c.2048A>G on transcript NM_001204.7 (MANE Select); coding-DNA position 2048, A replaced by G.
Protein change: p.Glu683Gly; replaces glutamic acid 683 with glycine.
Molecular consequence: missense variant.
Genome position (GRCh38, 1-based): chr2:202,555,713, A>G. VCF-style: chr2-202555713-A-G. GRCh37 (hg19) VCF-style: chr2-203420436-A-G.
Other names: short protein forms E683G.
Identifiers: ClinVar variation 4843348 (VCV004843348.1).